The following is an entry in ClinVar:

ClinVar aggregate classification (germline): Pathogenic. Review status: criteria provided, multiple submitters, no conflicts (2 of 4 stars). 5 submissions from 5 submitters: Pathogenic (5). Last evaluated 2026-03-20.

Conditions:
Neurofibromatosis, type 1 (NF1). Also called: NEUROFIBROMATOSIS, TYPE I, SOMATIC; Neurofibromatosis, type I; VON RECKLINGHAUSEN DISEASE; Peripheral type neurofibromatosis. Identifiers: Orphanet 636, MedGen C0027831, MONDO:0018975, OMIM 162200. Disease mechanism: loss of function.

Submissions (5):

GeneDx
Classification: Pathogenic. Last evaluated: 2026-03-20. Review status: criteria provided, single submitter. Criteria: GeneDx Variant Classification Process June 2021. Collection method: clinical testing. Allele origin: germline.
Comment: Not observed at significant frequency in large population cohorts (gnomAD); Nonsense variant predicted to result in protein truncation or nonsense mediated decay in a gene for which loss of function is a known mechanism of disease; This variant is associated with the following publications: (PMID: 33794220, 29685074)

NHS Central & South Genomic Laboratory Hub
Classification: Pathogenic for Neurofibromatosis type 1. Last evaluated: 2025-12-08. Review status: criteria provided, single submitter. Criteria: ACMG Guidelines, 2015. Collection method: clinical testing. Allele origin: germline. Affected: yes.

Labcorp Genetics (formerly Invitae), Labcorp
Classification: Pathogenic for Neurofibromatosis, type 1. Last evaluated: 2024-12-12. Review status: criteria provided, single submitter. Criteria: Invitae Variant Classification Sherloc (09022015). Collection method: clinical testing. Allele origin: germline.
Comment: This sequence change creates a premature translational stop signal (p.Gln1574*) in the NF1 gene. It is expected to result in an absent or disrupted protein product. Loss-of-function variants in NF1 are known to be pathogenic (PMID: 10712197, 23913538). This variant is not present in population databases (gnomAD no frequency). This premature translational stop signal has been observed in individual(s) with clinical features of neurofibromatosis type 1 (PMID: 29685074). This variant is also known as p.Gln1595X. ClinVar contains an entry for this variant (Variation ID: 649568). For these reasons, this variant has been classified as Pathogenic.

ARUP Laboratories, Molecular Genetics and Genomics, ARUP Laboratories
Classification: Pathogenic. Last evaluated: 2024-04-08. Review status: criteria provided, single submitter. Criteria: ARUP Molecular Germline Variant Investigation Process 2024. Collection method: clinical testing. Allele origin: germline.
Comment: The NF1 c.4783C>T; p.Gln1595Ter variant (rs1597753263, ClinVar ID: 649568), also known as Gln1574Ter for NM_000267, is reported in the literature in multiple individuals affected with neurofibromatosis type 1 (Bell 2021, Rosset 2018). This variant is absent from the Genome Aggregation Database (v2.1.1), indicating it is not a common polymorphism. This variant induces an early termination codon and is predicted to result in a truncated protein or mRNA subject to nonsense-mediated decay. Based on available information, this variant is considered to be pathogenic. References: Bell JM et al. The Prevalence of Noonan Spectrum Disorders in Pediatric Patients with Pulmonary Valve Stenosis. J Pediatr. 2021 Jul;234:134-141.e5. PMID: 33794220. Rosset C et al. Clinical and molecular characterization of neurofibromatosis in southern Brazil. Expert Rev Mol Diagn. 2018 Jun;18(6):577-586. PMID: 29685074.

Women's Health and Genetics/Laboratory Corporation of America, LabCorp
Classification: Pathogenic for Neurofibromatosis, type 1. Last evaluated: 2022-07-18. Review status: criteria provided, single submitter. Criteria: LabCorp Variant Classification Summary - May 2015. Collection method: clinical testing. Allele origin: germline.
Comment: Variant summary: NF1 c.4720C>T (p.Gln1574X) results in a premature termination codon, predicted to cause a truncation of the encoded protein or absence of the protein due to nonsense mediated decay, which are commonly known mechanisms for disease. Truncations downstream of this position have been classified as pathogenic by our laboratory. The variant was absent in 251014 control chromosomes (gnomAD). c.4720C>T has been reported in the literature in at least one individual affected with Neurofibromatosis Type 1 (Bell_2021). A ClinVar submitter (evaluation after 2014) cites the variant as pathogenic. Based on the evidence outlined above, the variant was classified as pathogenic.

Literature cited by the submitters: PubMed 10712197 (cited by Labcorp Genetics (formerly Invitae), Labcorp); PubMed 23913538 (cited by Labcorp Genetics (formerly Invitae), Labcorp); PubMed 29685074 (cited by Labcorp Genetics (formerly Invitae), Labcorp); PubMed 10678181 (cited by Women's Health and Genetics/Laboratory Corporation of America, LabCorp); PubMed 23460398 (cited by Women's Health and Genetics/Laboratory Corporation of America, LabCorp); PubMed 29872168 (cited by Women's Health and Genetics/Laboratory Corporation of America, LabCorp); PubMed 27069254 (cited by Women's Health and Genetics/Laboratory Corporation of America, LabCorp); PubMed 33794220 (cited by Women's Health and Genetics/Laboratory Corporation of America, LabCorp).

NM_001042492.3(NF1):c.4783C>T (p.Gln1595Ter)

Gene: NF1 (neurofibromin 1; plus strand). Cytogenetic location: 17q11.2.
Variant type: single nucleotide variant.
Coding change: c.4783C>T on transcript NM_001042492.3 (MANE Select); coding-DNA position 4783, C replaced by T.
Protein change: p.Gln1595Ter; replaces glutamine 1595 with a stop codon.
Molecular consequence: nonsense.
Genome position (GRCh38, 1-based): chr17:31,265,287, C>T. VCF-style: chr17-31265287-C-T. GRCh37 (hg19) VCF-style: chr17-29592305-C-T.
Other names: c.4720C>T, p.Gln1574Ter (NM_000267.4); short protein forms Q1595*, Q1574*.
Identifiers: ClinVar variation 649568 (VCV000649568.11), dbSNP rs1597753263, ClinGen allele CA399001282.